The following is an entry in ClinVar:

ClinVar aggregate classification (germline): Uncertain significance (1 of 4 stars; one submission).

Conditions:
Familial cancer of breast. Also called: hereditary breast carcinoma; Hereditary breast cancer; BREAST CANCER, FAMILIAL. Identifiers: Orphanet 227535, MedGen C0346153, MONDO:0016419, OMIM 114480. Disease mechanism: loss of function.

Submission:

Labcorp Genetics (formerly Invitae), Labcorp
Classification: Uncertain significance for Familial cancer of breast. Last evaluated: 2024-02-13. Review status: criteria provided, single submitter. Criteria: Invitae Variant Classification Sherloc (09022015). Collection method: clinical testing. Allele origin: germline.
Comment: This sequence change replaces asparagine, which is neutral and polar, with threonine, which is neutral and polar, at codon 930 of the PALB2 protein (p.Asn930Thr). This variant is not present in population databases (gnomAD no frequency). This variant has not been reported in the literature in individuals affected with PALB2-related conditions. ClinVar contains an entry for this variant (Variation ID: 1350191). Advanced modeling of protein sequence and biophysical properties (such as structural, functional, and spatial information, amino acid conservation, physicochemical variation, residue mobility, and thermodynamic stability) performed at Invitae indicates that this missense variant is expected to disrupt PALB2 protein function with a positive predictive value of 80%. In summary, the available evidence is currently insufficient to determine the role of this variant in disease. Therefore, it has been classified as a Variant of Uncertain Significance.

NM_024675.4(PALB2):c.2789A>C (p.Asn930Thr)

Gene: PALB2 (partner and localizer of BRCA2; minus strand). Cytogenetic location: 16p12.2.
Variant type: single nucleotide variant.
Coding change: c.2789A>C on transcript NM_024675.4 (MANE Select); coding-DNA position 2789, A replaced by C.
Protein change: p.Asn930Thr; replaces asparagine 930 with threonine.
Molecular consequence: missense variant.
Genome position (GRCh38, 1-based): chr16:23,624,054, T>G on the plus strand (A>C on the coding strand, the complement: PALB2 is on the minus strand). VCF-style: chr16-23624054-T-G. GRCh37 (hg19) VCF-style: chr16-23635375-T-G.
Other names: short protein forms N930T.
Identifiers: ClinVar variation 1350191 (VCV001350191.7), dbSNP rs1966825680, ClinGen allele CA395145036.